The following is an entry in ClinVar:

NM_016011.5(MECR):c.695G>A (p.Gly232Glu)

Gene: MECR (mitochondrial trans-2-enoyl-CoA reductase; minus strand). Cytogenetic location: 1p35.3.
Variant type: single nucleotide variant.
Coding change: c.695G>A on transcript NM_016011.5 (MANE Select); coding-DNA position 695, G replaced by A.
Protein change: p.Gly232Glu; replaces glycine 232 with glutamic acid.
Molecular consequence: missense variant. On other transcripts: non-coding transcript variant (4).
Genome position (GRCh38, 1-based): chr1:29,202,004, C>T on the plus strand (G>A on the coding strand, the complement: MECR is on the minus strand). VCF-style: chr1-29202004-C-T. GRCh37 (hg19) VCF-style: chr1-29528516-C-T.
Other names: c.467G>A, p.Gly156Glu (NM_001024732.4, NM_001349711.2, NM_001349712.2 and 2 more transcripts); c.800G>A, p.Gly267Glu (NM_001349715.2); c.779G>A, p.Gly260Glu (NM_001349716.2); c.545G>A, p.Gly182Glu (NM_001349717.2); short protein forms G232E, G156E, G267E, G182E, G260E.
Identifiers: ClinVar variation 374878 (VCV000374878.19), dbSNP rs762913101, ClinGen allele CA725727.

ClinVar aggregate classification (germline): Pathogenic/Likely pathogenic. Review status: criteria provided, multiple submitters, no conflicts (2 of 4 stars). 9 submissions from 9 submitters: Pathogenic (2); Likely pathogenic (4). 3 of the submissions do not count toward it. Last evaluated 2024-08-21.

Conditions:
Dystonia, childhood-onset, with optic atrophy and basal ganglia abnormalities (DYTOABG). Also called: DYSTONIA 29, CHILDHOOD-ONSET; MECR-Related Neurologic Disorder. Identifiers: Orphanet 508093, MedGen C4310634, MONDO:0015003, OMIM 617282.
MECR-related disorder. Also called: MECR-related condition.
Mitochondrial disease. Also called: Mitochondrial disorder; Mitochondrial disorders. Identifiers: Orphanet 68380, MedGen C0751651, MeSH D028361, MONDO:0044970.
MECR-related disorders.
Childhood Onset Dystonias. Identifiers: MedGen C0752202.
Optic atrophy. Identifiers: MedGen C0029124, MONDO:0003608, HP:0000648.

Allele frequency attached by ClinVar (database versions not stated): gnomAD 0.00002; gnomAD exomes 0.00002 and 0.00007; TOPMed 0.00002; ExAC 0.00004.
gnomAD v4.1: 39 of 1,614,044 alleles (0.0024%); highest among the groups gnomAD compares: Non-Finnish European, 0.00034%; no homozygotes.

Submissions (9):

Women's Health and Genetics/Laboratory Corporation of America, LabCorp
Classification: Pathogenic for Dystonia, childhood-onset, with optic atrophy and basal ganglia abnormalities. Last evaluated: 2024-08-21. Review status: criteria provided, single submitter. Criteria: LabCorp Variant Classification Summary - May 2015. Collection method: clinical testing. Allele origin: germline.
Comment: Variant summary: MECR c.695G>A (p.Gly232Glu) results in a non-conservative amino acid change located in the Alcohol dehydrogenase-like, C-terminal domain (IPR013149) of the encoded protein sequence. Five of five in-silico tools predict a damaging effect of the variant on protein function. The variant allele was found at a frequency of 7.2e-05 in 251486 control chromosomes. This frequency is not significantly higher than estimated for a pathogenic variant in MECR causing Dystonia, Childhood-Onset, With Optic Atrophy And Basal Ganglia Abnormalities, allowing no conclusion about variant significance. c.695G>A has been reported in the literature in multiple compound heterozygous individuals affected with Dystonia, Childhood-Onset, With Optic Atrophy And Basal Ganglia Abnormalities (e.g. Heimer_2016, Alves_2018, Baide-Mairena_2022, Gupta_2023). These data indicate that the variant is very likely to be associated with disease. At least one publication reports experimental evidence evaluating an impact on protein function. The most pronounced variant effect results in impaired ability to rescue a lactate-dependent growth phenotype in a yeast complementation study and impaired lipoylation (Heimer_2016). The following publications have been ascertained in the context of this evaluation (PMID: 32445240, 34988976, 36262091, 27817865). ClinVar contains an entry for this variant (Variation ID: 374878). Based on the evidence outlined above, the variant was classified as pathogenic.

Labcorp Genetics (formerly Invitae), Labcorp
Classification: Pathogenic. Last evaluated: 2024-03-22. Review status: criteria provided, single submitter. Criteria: Invitae Variant Classification Sherloc (09022015). Collection method: clinical testing. Allele origin: germline.
Comment: This sequence change replaces glycine, which is neutral and non-polar, with glutamic acid, which is acidic and polar, at codon 232 of the MECR protein (p.Gly232Glu). This variant is present in population databases (rs762913101, gnomAD 0.2%). This missense change has been observed in individual(s) with childhood-onset dystonia with optic atrophy and basal ganglia abnormalities (PMID: 27817865). In at least one individual the data is consistent with being in trans (on the opposite chromosome) from a pathogenic variant. It has also been observed to segregate with disease in related individuals. ClinVar contains an entry for this variant (Variation ID: 374878). Advanced modeling of protein sequence and biophysical properties (such as structural, functional, and spatial information, amino acid conservation, physicochemical variation, residue mobility, and thermodynamic stability) performed at Invitae indicates that this missense variant is expected to disrupt MECR protein function with a positive predictive value of 80%. For these reasons, this variant has been classified as Pathogenic.

Blueprint Genetics
Classification: Likely pathogenic for MECR-related disorders. Last evaluated: 2023-12-20. Review status: criteria provided, single submitter. Criteria: ACMG Guidelines, 2015. Collection method: clinical testing. Allele origin: germline. Affected: yes. Observed: 2 variant alleles.

Illumina Laboratory Services, Illumina
Classification: Likely pathogenic for Mitochondrial disease. Last evaluated: 2023-03-03. Review status: criteria provided, single submitter. Criteria: ICSLVariantClassificationCriteria RUGD 01 April 2020. Collection method: clinical testing. Allele origin: unknown.
Comment: The MECR c.695G>A (p.Gly232Glu) missense variant results in the substitution of glycine at amino acid position 232 with glutamine. This variant has been reported in a compound heterozygous state with the c.830+2dup variant in four individuals with features of primary mitochondrial disease from three families, at least two of whom had Jewish ancestry (PMID: 27817865; PMID: 32445240; PMID: 34052969). Fibroblasts from compound heterozygous individuals showed reduced MECR protein expression and reduced protein lipoylation. Reduced electron transport capacity was also observed in some cases (PMID: 27817865). The c.695G>A variant has also been reported in trans with a stop-gained variant in an additional affected individual (PMID: 27817865). The highest frequency of this allele in the Genome Aggregation Database is 0.001587 in the Ashkenazi Jewish population (version 2.1.1). This frequency is consistent with the increased prevalence of MECR-related primary mitochondrial disease among individuals with Ashkenazi Jewish ancestry (PMID: 31070877). Yeast complementation studies of this variant, which is located within the cofactor binding domain, demonstrated an impaired ability to rescue the lactate-dependent growth phenotype compared to wildtype. The c.695G>A variant also showed reduced protein expression/stability and impaired lipoylation when expressed in yeast (PMID: 27817865). This variant was identified in a compound heterozygous state with the c.830+2dup variant and segregated with disease. Based on the available evidence, the c.695G>A (p.Gly232Glu) variant is classified as likely pathogenic for primary mitochondrial disease.

Revvity Omics, Revvity
Classification: Likely pathogenic. Last evaluated: 2023-02-09. Review status: criteria provided, single submitter. Criteria: ACMG Guidelines, 2015. Collection method: clinical testing. Allele origin: germline.

GeneDx
Classification: Likely pathogenic. Last evaluated: 2022-01-13. Review status: criteria provided, single submitter. Criteria: GeneDx Variant Classification Process June 2021. Collection method: clinical testing. Allele origin: germline. Affected: yes.
Comment: Published functional studies suggest a damaging effect as yeast transfected with G232E showed absence of protein lipoylation and protein expression (Heimer et al., 2016); In silico analysis supports that this missense variant has a deleterious effect on protein structure/function; This variant is associated with the following publications: (PMID: 27817865, 32445240)

OMIM
Classification: Pathogenic for DYSTONIA, CHILDHOOD-ONSET, WITH OPTIC ATROPHY AND BASAL GANGLIA ABNORMALITIES. Last evaluated: 2024-01-08. Review status: no assertion criteria provided. Collection method: literature only. Allele origin: germline. Not counted in ClinVar's aggregate classification.

PreventionGenetics, part of Exact Sciences
Classification: Likely pathogenic for MECR-related condition. Last evaluated: 2023-12-29. Review status: no assertion criteria provided. Collection method: clinical testing. Allele origin: germline. Not counted in ClinVar's aggregate classification.
Comment: The MECR c.695G>A variant is predicted to result in the amino acid substitution p.Gly232Glu. This variant has been reported in the compound heterozygous state in multiple unrelated affected individuals, and functional studies support its pathogenicity (Heimer et al. 2016. PubMed ID: 27817865; Alves et al. 2020. PubMed ID: 32445240, supplementary data; Martin-Saavedra et al. 2021. PubMed ID: 34052969). Pathogenic variants in MECR have been associated with autosomal recessive childhood-onset dystonia, with optic atrophy and basal ganglia abnormalities (OMIM #617282). This variant is reported in 0.16% of alleles in individuals of Ashkenazi Jewish descent in gnomAD. This variant is interpreted as likely pathogenic.

University of Washington Center for Mendelian Genomics, University of Washington
Classification: Likely pathogenic for Childhood Onset Dystonias; Optic atrophy. Last evaluated: 2016-12-01. Review status: no assertion criteria provided. Collection method: research. Allele origin: unknown. Affected: yes. Observed: 1 variant allele. Not counted in ClinVar's aggregate classification.

Literature cited by the submitters: PubMed 32445240 (cited by Women's Health and Genetics/Laboratory Corporation of America, LabCorp and Illumina Laboratory Services, Illumina); PubMed 27817865 (cited by 5 submitters); PubMed 34988976 (cited by Women's Health and Genetics/Laboratory Corporation of America, LabCorp); PubMed 36262091 (cited by Women's Health and Genetics/Laboratory Corporation of America, LabCorp); PubMed 34052969 (cited by Illumina Laboratory Services, Illumina); PubMed 31070877 (cited by Illumina Laboratory Services, Illumina).